The following is an entry in ClinVar:

NM_145207.3(AFG2A):c.971A>T (p.Tyr324Phe)

Gene: AFG2A (AFG2 AAA ATPase homolog A; plus strand). Cytogenetic location: 4q28.1.
Variant type: single nucleotide variant.
Coding change: c.971A>T on transcript NM_145207.3 (MANE Select); coding-DNA position 971, A replaced by T.
Protein change: p.Tyr324Phe; replaces tyrosine 324 with phenylalanine.
Molecular consequence: missense variant.
Genome position (GRCh38, 1-based): chr4:122,934,562, A>T. VCF-style: chr4-122934562-A-T. GRCh37 (hg19) VCF-style: chr4-123855717-A-T.
Other names: c.968A>T, p.Tyr323Phe (NM_001317799.2, NM_001345856.2); short protein forms Y323F, Y324F.
Identifiers: ClinVar variation 843159 (VCV000843159.4), dbSNP rs1380249629, ClinGen allele CA358102767.
Genomic context (GRCh38, chr4:122,934,562, plus strand): 5'-CTGAAGAAGAGAGACTGCTAAAGTTCAGCATAGGAGCAAAGTGCAATACTGATACTTTTT[A>T]TTTTATTTCTTCAACAACAAGAGTCAATTTTACAGAGATTGATAAAAATTCAAAAGAGCA-3'
Protein context (NP_660208.2, residues 314-334): IGAKCNTDTF[Tyr324Phe]FISSTTRVNF

ClinVar aggregate classification (germline): Uncertain significance (1 of 4 stars; one submission).

Conditions:
Microcephaly-intellectual disability-sensorineural hearing loss-epilepsy-abnormal muscle tone syndrome (NEDHSB). Also called: NEURODEVELOPMENTAL DISORDER WITH HEARING LOSS, SEIZURES, AND BRAIN ABNORMALITIES. Identifiers: Orphanet 457351, MedGen C4225276, MONDO:0014698, OMIM 616577.

Allele frequency attached by ClinVar (database versions not stated): TOPMed 0.00001.
gnomAD v4.1: 62 of 1,613,748 alleles (0.0038%); highest among the groups gnomAD compares: East Asian, 0.14%; no homozygotes.

Submission:

Labcorp Genetics (formerly Invitae), Labcorp
Classification: Uncertain significance for Microcephaly-intellectual disability-sensorineural hearing loss-epilepsy-abnormal muscle tone syndrome. Last evaluated: 2021-09-01. Review status: criteria provided, single submitter. Criteria: Invitae Variant Classification Sherloc (09022015). Collection method: clinical testing. Allele origin: germline.
Comment: This sequence change replaces tyrosine with phenylalanine at codon 324 of the SPATA5 protein (p.Tyr324Phe). The tyrosine residue is highly conserved and there is a small physicochemical difference between tyrosine and phenylalanine. This variant is not present in population databases (ExAC no frequency). This variant has not been reported in the literature in individuals affected with SPATA5-related conditions. Algorithms developed to predict the effect of missense changes on protein structure and function are either unavailable or do not agree on the potential impact of this missense change (SIFT: "Deleterious"; PolyPhen-2: "Probably Damaging"; Align-GVGD: "Class C15"). In summary, the available evidence is currently insufficient to determine the role of this variant in disease. Therefore, it has been classified as a Variant of Uncertain Significance.